The following is an entry in ClinVar:

ClinVar aggregate classification (germline): Likely pathogenic (1 of 4 stars; one submission).

Submission:

Labcorp Genetics (formerly Invitae), Labcorp
Classification: Likely pathogenic. Last evaluated: 2024-09-13. Review status: criteria provided, single submitter. Criteria: Invitae Variant Classification Sherloc (09022015). Collection method: clinical testing. Allele origin: germline.
Comment: This sequence change replaces glycine, which is neutral and non-polar, with aspartic acid, which is acidic and polar, at codon 672 of the COL4A5 protein (p.Gly672Asp). This variant is not present in population databases (gnomAD no frequency). This missense change has been observed in individual(s) with Alport syndrome (PMID: 33330536; internal data). Invitae Evidence Modeling of protein sequence and biophysical properties (such as structural, functional, and spatial information, amino acid conservation, physicochemical variation, residue mobility, and thermodynamic stability) indicates that this missense variant is expected to disrupt COL4A5 protein function with a positive predictive value of 95%. This variant disrupts the triple helix domain of COL4A5. Glycine residues within the Gly-Xaa-Yaa repeats of the triple helix domain are required for the structure and stability of fibrillar collagens (PMID: 7695699, 8218237, 19344236). In COL4A5, missense variants at these glycine residues are significantly enriched in individuals with disease (PMID: 23720012, 27627812) compared to the general population (ExAC). This variant disrupts the p.Glu672 amino acid residue in COL4A5. Other variant(s) that disrupt this residue have been observed in individuals with COL4A5-related conditions (PMID: 21505094; internal data), which suggests that this may be a clinically significant amino acid residue. In summary, the currently available evidence indicates that the variant is pathogenic, but additional data are needed to prove that conclusively. Therefore, this variant has been classified as Likely Pathogenic.

Literature cited by the submitters: PubMed 33330536; PubMed 7695699; PubMed 8218237; PubMed 19344236; PubMed 23720012; PubMed 27627812; PubMed 21505094.

NM_033380.3(COL4A5):c.2015G>A (p.Gly672Asp)

Gene: COL4A5 (collagen type IV alpha 5 chain; plus strand). Cytogenetic location: Xq22.3.
Variant type: single nucleotide variant.
Coding change: c.2015G>A on transcript NM_033380.3 (MANE Select); coding-DNA position 2015, G replaced by A.
Protein change: p.Gly672Asp; replaces glycine 672 with aspartic acid.
Molecular consequence: missense variant.
Genome position (GRCh38, 1-based): chrX:108,601,459, G>A. VCF-style: chrX-108601459-G-A. GRCh37 (hg19) VCF-style: chrX-107844689-G-A.
Other names: c.2015G>A, p.Gly672Asp (NM_000495.5); short protein forms G672D.
Identifiers: ClinVar variation 2780480 (VCV002780480.3), dbSNP rs2524325836, ClinGen allele CA413846828.